The following is an entry in ClinVar:

NM_001376.5(DYNC1H1):c.10414-14G>A

Gene: DYNC1H1 (dynein cytoplasmic 1 heavy chain 1; plus strand). Cytogenetic location: 14q32.31.
Variant type: single nucleotide variant.
Coding change: c.10414-14G>A on transcript NM_001376.5 (MANE Select); 14 bases into the intron before coding-DNA position 10414, G replaced by A.
Molecular consequence: intron variant.
Genome position (GRCh38, 1-based): chr14:102,033,962, G>A. VCF-style: chr14-102033962-G-A. GRCh37 (hg19) VCF-style: chr14-102500299-G-A.
Identifiers: ClinVar variation 1398574 (VCV001398574.8), dbSNP rs2152592099, ClinGen allele CA2573150416.

ClinVar aggregate classification (germline): Uncertain significance (1 of 4 stars; one submission).

Conditions:
Charcot-Marie-Tooth disease axonal type 2O. Also called: CHARCOT-MARIE-TOOTH NEUROPATHY, AXONAL, TYPE 2O; CHARCOT-MARIE-TOOTH DISEASE, AXONAL, AUTOSOMAL DOMINANT, TYPE 2O; Charcot-Marie-Tooth Neuropathy Type 2O; Charcot-Marie-Tooth disease, axonal, type 20. Identifiers: Orphanet 284232, MedGen C3280220, MONDO:0013644, OMIM 614228.

Submission:

Labcorp Genetics (formerly Invitae), Labcorp
Classification: Uncertain significance for Charcot-Marie-Tooth disease axonal type 2O. Last evaluated: 2021-05-07. Review status: criteria provided, single submitter. Criteria: Invitae Variant Classification Sherloc (09022015). Collection method: clinical testing. Allele origin: germline.
Comment: In summary, the available evidence is currently insufficient to determine the role of this variant in disease. Therefore, it has been classified as a Variant of Uncertain Significance. Algorithms developed to predict the effect of sequence changes on RNA splicing suggest that this variant may create or strengthen a splice site, but this prediction has not been confirmed by published transcriptional studies. This variant has not been reported in the literature in individuals with DYNC1H1-related conditions. This variant is not present in population databases (ExAC no frequency). This sequence change falls in intron 54 of the DYNC1H1 gene. It does not directly change the encoded amino acid sequence of the DYNC1H1 protein.